The following is an entry in ClinVar:

NM_001384140.1(PCDH15):c.1979T>A (p.Val660Asp)

Gene: PCDH15 (protocadherin related 15; minus strand). Cytogenetic location: 10q21.1.
Variant type: single nucleotide variant.
Coding change: c.1979T>A on transcript NM_001384140.1 (MANE Select); coding-DNA position 1979, T replaced by A.
Protein change: p.Val660Asp; replaces valine 660 with aspartic acid.
Molecular consequence: missense variant. On other transcripts: intron variant (1).
Genome position (GRCh38, 1-based): chr10:54,090,002, A>T on the plus strand (T>A on the coding strand, the complement: PCDH15 is on the minus strand). VCF-style: chr10-54090002-A-T. GRCh37 (hg19) VCF-style: chr10-55849762-A-T.
Other names: c.1994T>A, p.Val665Asp (NM_001142763.2, NM_001142771.2); c.1979T>A, p.Val660Asp (NM_001142764.2, NM_001142766.2, NM_001142770.3 and 5 more transcripts); c.1868T>A, p.Val623Asp (NM_001142767.2); c.1913T>A, p.Val638Asp (NM_001142768.2, NM_001142773.2, NM_001354404.2); c.2015T>A, p.Val672Asp (NM_001142769.4); c.2000T>A, p.Val667Asp (NM_001354411.2); c.1785-10578T>A (NM_001142765.2); short protein forms V660D, V665D, V623D, V667D, V672D, V638D.
Identifiers: ClinVar variation 841437 (VCV000841437.6), dbSNP rs573831072, ClinGen allele CA5506191.

ClinVar aggregate classification (germline): Uncertain significance. Review status: criteria provided, multiple submitters, no conflicts (2 of 4 stars). 3 submissions from 3 submitters: Uncertain significance (2). 1 of the submissions does not count toward it. Last evaluated 2022-08-16.

Conditions:
Usher syndrome type 1F (USH1F). Also called: USHER SYNDROME, TYPE IF. Identifiers: Orphanet 231169, Orphanet 886, MedGen C1865885, MONDO:0011186, OMIM 602083.

Allele frequency attached by ClinVar (database versions not stated): gnomAD exomes 0.00002; ExAC 0.00005; gnomAD 0.00007; TOPMed 0.00009; 1000 Genomes Project 0.00020; 1000 Genomes Project 30x 0.00031.
gnomAD v4.1: 15 of 1,610,884 alleles (0.00093%); highest among the groups gnomAD compares: African/African-American, 0.02%; no homozygotes.

Submissions (3):

Labcorp Genetics (formerly Invitae), Labcorp
Classification: Uncertain significance. Last evaluated: 2022-08-16. Review status: criteria provided, single submitter. Criteria: Invitae Variant Classification Sherloc (09022015). Collection method: clinical testing. Allele origin: germline.
Comment: This sequence change replaces valine, which is neutral and non-polar, with aspartic acid, which is acidic and polar, at codon 660 of the PCDH15 protein (p.Val660Asp). This variant is present in population databases (rs573831072, gnomAD 0.04%). This variant has not been reported in the literature in individuals affected with PCDH15-related conditions. ClinVar contains an entry for this variant (Variation ID: 841437). Algorithms developed to predict the effect of missense changes on protein structure and function are either unavailable or do not agree on the potential impact of this missense change (SIFT: "Deleterious"; PolyPhen-2: "Possibly Damaging"; Align-GVGD: "Class C0"). In summary, the available evidence is currently insufficient to determine the role of this variant in disease. Therefore, it has been classified as a Variant of Uncertain Significance.

Blueprint Genetics
Classification: Uncertain significance. Last evaluated: 2018-10-11. Review status: criteria provided, single submitter. Criteria: ACMG Guidelines, 2015. Collection method: clinical testing. Allele origin: germline.

Natera, Inc.
Classification: Uncertain significance for Usher syndrome type 1F. Last evaluated: 2020-09-16. Review status: no assertion criteria provided. Collection method: clinical testing. Allele origin: germline. Not counted in ClinVar's aggregate classification.